The following is an entry in ClinVar:

NM_006554.5(MTX2):c.136-1G>C

Gene: MTX2 (metaxin 2; plus strand). Cytogenetic location: 2q31.1.
Variant type: single nucleotide variant.
Coding change: c.136-1G>C on transcript NM_006554.5 (MANE Select); the canonical splice acceptor site of the intron before coding-DNA position 136, G replaced by C.
Molecular consequence: splice acceptor variant.
Genome position (GRCh38, 1-based): chr2:176,323,391, G>C. VCF-style: chr2-176323391-G-C. GRCh37 (hg19) VCF-style: chr2-177188119-G-C.
Other names: c.106-1G>C (NM_001006635.3); c.136-1G>C (NM_001319098.2, NM_001319097.2).
Identifiers: ClinVar variation 4294092 (VCV004294092.1).

ClinVar aggregate classification (germline): Pathogenic (1 of 4 stars; one submission).

Conditions:
Mandibuloacral dysplasia progeroid syndrome. Identifiers: Orphanet 647667, MedGen C5436867, MONDO:0030880, OMIM 619127.

Submission:

3billion
Classification: Pathogenic for Mandibuloacral dysplasia progeroid syndrome. Last evaluated: 2024-09-05. Review status: criteria provided, single submitter. Criteria: ACMG Guidelines, 2015. Collection method: clinical testing. Allele origin: germline. Affected: yes.
Comment: The variant is not observed in the gnomAD v4.0.0 dataset. Predicted Consequence/Location: Canonical splice site: predicted to alter splicing and result in a loss or disruption of normal protein function. Multiple pathogenic loss-of-function variants are reported downstream of the variant. In silico tools predict the variant to alter splicing and produce an abnormal transcript [SpliceAI: 0.98 (spliceogenicity >=0.2, non-spliceogenicity <0.1)]. Therefore, this variant is classified as Pathogenic according to the recommendation of ACMG/AMP guideline.